The following is an entry in ClinVar:

NM_000038.6(APC):c.669A>C (p.Gln223His)

Gene: APC (APC regulator of Wnt signaling pathway; plus strand). Cytogenetic location: 5q22.2.
Variant type: single nucleotide variant.
Coding change: c.669A>C on transcript NM_000038.6 (MANE Select); coding-DNA position 669, A replaced by C.
Protein change: p.Gln223His; replaces glutamine 223 with histidine.
Molecular consequence: missense variant. On other transcripts: 5 prime UTR variant (1), intron variant (2).
Genome position (GRCh38, 1-based): chr5:112,792,469, A>C. VCF-style: chr5-112792469-A-C. GRCh37 (hg19) VCF-style: chr5-112128166-A-C.
Other names: c.669A>C, p.Gln223His (NM_001127510.3, NM_001354895.2, NM_001354896.2 and 1 more transcripts); c.699A>C, p.Gln233His (NM_001354897.2, NM_001354902.2); c.594A>C, p.Gln198His (NM_001354898.2, NM_001354904.2); c.492A>C, p.Gln164His (NM_001354900.2, NM_001354901.2, NM_001354905.2); c.-367A>C (NM_001354906.2); c.676-8810A>C (NM_001127511.3); c.646-8810A>C (NM_001354899.2); short protein forms Q223H, Q233H, Q164H, Q198H.
Identifiers: ClinVar variation 184601 (VCV000184601.37), dbSNP rs769482880, ClinGen allele CA012417.

ClinVar aggregate classification (germline): Conflicting classifications of pathogenicity. Review status: criteria provided, conflicting classifications (1 of 4 stars). 12 submissions from 12 submitters: Uncertain significance (10); Likely benign (1). 1 of the submissions does not count toward it. Last evaluated 2026-06-01.

Conditions:
Classic or attenuated familial adenomatous polyposis. Identifiers: MedGen CN372698, MONDO:0021057.
APC-related disorder. Also called: APC-related condition.
Hereditary cancer-predisposing syndrome. Also called: Neoplastic Syndromes, Hereditary; Tumor predisposition; Hereditary neoplastic syndrome; Hereditary Cancer Syndrome. Identifiers: Orphanet 140162, MedGen C0027672, MeSH D009386, MONDO:0015356.
Familial adenomatous polyposis 1 (FAP1). Also called: FAMILIAL ADENOMATOUS POLYPOSIS 1, ATTENUATED; POLYPOSIS, ADENOMATOUS INTESTINAL. Identifiers: MedGen C2713442, MONDO:0021056, OMIM 175100. Disease mechanism: loss of function.

Allele frequency attached by ClinVar (database versions not stated): gnomAD exomes 0.00002 and 0.00003; ExAC 0.00003; gnomAD 0.00003 and 0.00004; TOPMed 0.00003.
gnomAD v4.1: 47 of 1,610,936 alleles (0.0029%); highest among the groups gnomAD compares: Non-Finnish European, 0.0037%; no homozygotes.

Submissions (12):

PreventionGenetics, part of Exact Sciences
Classification: Uncertain significance for APC-related condition. Last evaluated: 2026-06-01. Review status: criteria provided, single submitter. Criteria: ACMG Guidelines, 2015. Collection method: clinical testing. Allele origin: germline.
Comment: The APC c.669A>C variant is predicted to result in the amino acid substitution p.Gln223His. This variant has been reported in an individual undergoing testing for clinical features consistent with familial adenomatous polyposis (Kerr et al. 2012. PubMed ID: 23159591). This variant is reported in 0.0035% of alleles in individuals of European (Non-Finnish) descent in gnomAD and has conflicting interpretations in ClinVar ranging from uncertain to likely benign (Variation ID: 184601). At this time, the clinical significance of this variant is uncertain due to the absence of conclusive functional and genetic evidence.

Labcorp Genetics (formerly Invitae), Labcorp
Classification: Uncertain significance for Familial adenomatous polyposis 1. Last evaluated: 2026-01-19. Review status: criteria provided, single submitter. Criteria: Invitae Variant Classification Sherloc (09022015). Collection method: clinical testing. Allele origin: germline.
Comment: This sequence change replaces glutamine, which is neutral and polar, with histidine, which is basic and polar, at codon 223 of the APC protein (p.Gln223His). This variant is present in population databases (rs769482880, gnomAD 0.004%). This missense change has been observed in individual(s) with clinical features of APC-related conditions (PMID: 23159591). ClinVar contains an entry for this variant (Variation ID: 184601). Invitae Evidence Modeling of protein sequence and biophysical properties (such as structural, functional, and spatial information, amino acid conservation, physicochemical variation, residue mobility, and thermodynamic stability) has been performed for this missense variant. However, the output from this modeling did not meet the statistical confidence thresholds required to predict the impact of this variant on APC protein function. In summary, the available evidence is currently insufficient to determine the role of this variant in disease. Therefore, it has been classified as a Variant of Uncertain Significance.

Quest Diagnostics Nichols Institute San Juan Capistrano
Classification: Uncertain significance. Last evaluated: 2025-08-01. Review status: criteria provided, single submitter. Criteria: Quest Diagnostics criteria. Collection method: clinical testing. Allele origin: unknown.
Comment: The APC c.669A>C (p.Gln223His) variant has been reported in the published literature in individuals with Familial adenomatous polyposis (FAP, PMID: 23159591 (2013)), neuroblastoma (PMID: 27882345 (2016)), and reportedly unaffected individuals (PMID: 29641532 (2018)). The frequency of this variant in the general population (Genome Aggregation Database) is uninformative in the assessment of its pathogenicity. Analysis of this variant using bioinformatics tools for the prediction of the effect of amino acid changes on protein structure and function yielded predictions that this variant is damaging. Based on the available information, we are unable to determine the clinical significance of this variant.

Color Diagnostics, LLC DBA Color Health
Classification: Uncertain significance for Hereditary cancer-predisposing syndrome. Last evaluated: 2025-06-04. Review status: criteria provided, single submitter. Criteria: ACMG Guidelines, 2015. Collection method: clinical testing. Allele origin: germline.
Comment: This missense variant replaces glutamine with histidine at codon 223 of the APC protein. Computational prediction is inconclusive regarding the impact of this variant on protein structure and function. To our knowledge, functional studies have not been reported for this variant. This variant has been reported in one individual being evaluated for familial adenomatous polyposis (PMID: 23159591). This variant has been identified in 4/251000 chromosomes in the general population by the Genome Aggregation Database (gnomAD). The available evidence is insufficient to determine the role of this variant in disease conclusively. Therefore, this variant is classified as a Variant of Uncertain Significance.

GeneDx
Classification: Uncertain significance. Last evaluated: 2024-05-20. Review status: criteria provided, single submitter. Criteria: GeneDx Variant Classification Process June 2021. Collection method: clinical testing. Allele origin: germline. Affected: yes.
Comment: Not observed at significant frequency in large population cohorts (gnomAD); In silico analysis supports that this missense variant has a deleterious effect on protein structure/function; Observed in individuals undergoing APC genetic testing (PMID: 23159591); This variant is associated with the following publications: (PMID: 27882345, 23159591)

Baylor Genetics
Classification: Uncertain significance for Familial adenomatous polyposis 1. Last evaluated: 2024-03-08. Review status: criteria provided, single submitter. Criteria: ACMG Guidelines, 2015. Collection method: clinical testing. Allele origin: unknown.

St. Jude Molecular Pathology, St. Jude Children's Research Hospital
Classification: Uncertain significance for Familial adenomatous polyposis 1. Last evaluated: 2023-06-27. Review status: criteria provided, single submitter. Criteria: St. Jude Assertion Criteria 2020. Collection method: clinical testing. Allele origin: germline.
Comment: The APC c.669A>C (p.Gln223His) missense change has a maximum subpopulation frequency of 0.0029% in gnomAD non-cancer v2.1.1. The in silico tool REVEL is inconclusive about a pathogenic or benign effect of this variant on protein function, however this prediction is not considered informative for missense variants affecting the APC gene. To our knowledge functional studies have not been performed and this variant has not been reported in individuals with APC-related familial adenomatous polyposis or attenuated familial adenomatous polyposis. In summary, the evidence currently available is insufficient to determine the clinical significance of this variant. It has therefore been classified as of uncertain significance.

All of Us Research Program, National Institutes of Health
Classification: Uncertain significance for Classic or attenuated familial adenomatous polyposis. Last evaluated: 2023-06-26. Review status: criteria provided, single submitter. Criteria: ACMG Guidelines, 2015. Collection method: clinical testing. Allele origin: germline. Inheritance: Autosomal dominant inheritance. Observed: 4 variant alleles, 4 heterozygotes.
Comment: This missense variant replaces glutamine with histidine at codon 223 of the APC protein. Computational prediction is inconclusive regarding the impact of this variant on protein structure and function (internally defined REVEL score threshold 0.5 < inconclusive < 0.7, PMID: 27666373). To our knowledge, functional studies have not been reported for this variant. This variant has been reported in one individual being evaluated for familial adenomatous polyposis (PMID: 23159591). This variant has been identified in 4/251000 chromosomes in the general population by the Genome Aggregation Database (gnomAD). The available evidence is insufficient to determine the role of this variant in disease conclusively. Therefore, this variant is classified as a Variant of Uncertain Significance.

This study involves interpretation of variants in research participants for the purpose of population health screening. Participant phenotype was not available at the time of variant classification. Additional details can be found in publication PMID: 35346344, PMCID: PMC8962531

Myriad Genetics, Inc.
Classification: Uncertain significance for Familial adenomatous polyposis 1. Last evaluated: 2023-02-17. Review status: criteria provided, single submitter. Criteria: Myriad Autosomal Dominant, Autosomal Recessive and X-Linked Classification Criteria (2023). Collection method: clinical testing. Allele origin: unknown.
Comment: This variant is classified as a variant of uncertain significance as there is insufficient evidence to determine its impact on protein function and/or cancer risk.

Women's Health and Genetics/Laboratory Corporation of America, LabCorp
Classification: Uncertain significance. Last evaluated: 2021-11-24. Review status: criteria provided, single submitter. Criteria: LabCorp Variant Classification Summary - May 2015. Collection method: clinical testing. Allele origin: germline.
Comment: Variant summary: APC c.669A>C (p.Gln223His) results in a non-conservative amino acid change in the encoded protein sequence. Five of five in-silico tools predict a damaging effect of the variant on protein function. The variant allele was found at a frequency of 1.6e-05 in 251000 control chromosomes. The available data on variant occurrences in the general population are insufficient to allow any conclusion about variant significance. c.669A>C has been reported in the literature as a VUS in one individual undergoing testing for APC gene analysis (example, Kerr_2013). This report does not provide unequivocal conclusions about association of the variant with Familial Adenomatous Polyposis. To our knowledge, no experimental evidence demonstrating an impact on protein function has been reported. Four clinical diagnostic laboratories have submitted clinical-significance assessments for this variant to ClinVar after 2014 without evidence for independent evaluation (VUS, n=3; likely benign, n=1). Most submitters cite overlapping evidence utilized in the context of this evaluation. Based on the evidence outlined above, the variant was classified as uncertain significance.

Ambry Genetics
Classification: Likely benign for Hereditary cancer-predisposing syndrome. Last evaluated: 2020-09-30. Review status: criteria provided, single submitter. Criteria: Ambry Variant Classification Scheme 2023. Collection method: clinical testing. Allele origin: germline.

Counsyl
Classification: Uncertain significance for Familial adenomatous polyposis 1. Last evaluated: 2016-09-19. Review status: no assertion criteria provided. Collection method: clinical testing. Allele origin: unknown. Not counted in ClinVar's aggregate classification.

Literature cited by the submitters: PubMed 23159591 (cited by 7 submitters); PubMed 29641532 (cited by Quest Diagnostics Nichols Institute San Juan Capistrano); PubMed 27882345 (cited by Quest Diagnostics Nichols Institute San Juan Capistrano).